The following is an entry in ClinVar:

NM_000329.3(RPE65):c.1120del (p.Ile374fs)

Gene: RPE65 (retinoid isomerohydrolase RPE65; minus strand). Cytogenetic location: 1p31.3.
Variant type: Deletion.
Coding change: c.1120del on transcript NM_000329.3 (MANE Select); coding-DNA position 1120, one base deleted (A; older notation c.1120delA).
Protein change: p.Ile374fs; shifts the reading frame from isoleucine 374.
Molecular consequence: frameshift variant.
Genome position (GRCh38, 1-based): chr1:68,438,195, T deleted on the plus strand (A on the coding strand, the reverse complement: RPE65 is on the minus strand). VCF-style (leftmost placement, unchanged base first): chr1-68438194-AT-A. GRCh37 (hg19) VCF-style: chr1-68903877-AT-A.
Other names: short protein forms I374fs.
Identifiers: ClinVar variation 98827 (VCV000098827.2), dbSNP rs62653013, ClinGen allele CA226487.
Genomic context (GRCh38, chr1:68,438,194, plus strand): 5'-GAGAGAGATGAAACATTCTGGTTAAATCTGAAATCTACAGAGAAGCAGGTTACCTTGTCA[AT>A]ATTCAAAGGAAGTACATATCTCCTAACTTCAGGTTGGGGAGCCTTTCTGGCATTTTTTTT-3'

ClinVar aggregate classification (germline): Pathogenic. Review status: criteria provided, single submitter (1 of 4 stars). 2 submissions from 2 submitters: Pathogenic (1). 1 of the submissions does not count toward it. Last evaluated 2024-05-14.

Conditions:
RPE65-related recessive retinopathy. Also called: Recessive RPE65 retinopathy. Identifiers: MedGen CN305526, MONDO:0100368.

Submissions (2):

Myriad Genetics, Inc.
Classification: Pathogenic for RPE65-related recessive retinopathy. Last evaluated: 2024-05-14. Review status: criteria provided, single submitter. Criteria: Myriad Autosomal Dominant, Autosomal Recessive and X-Linked Classification Criteria (2023). Collection method: clinical testing. Allele origin: unknown.
Comment: NM_000329.2(RPE65):c.1120delA(I374Lfs*10) is expected to be pathogenic in the context of inherited retinal dystrophy, RPE65-related. This variant is predicted to lead to an abnormal or absent protein product due to the creation of a premature termination codon in RPE65, a gene where loss-of-function variants are known to be pathogenic. Please note: this variant was assessed in the context of healthy population screening.

Retina International
No classification provided. Review status: no classification provided. Collection method: not provided. Allele origin: not provided. Not counted in ClinVar's aggregate classification.